The following is an entry in ClinVar:

NM_006063.3(KLHL41):c.624_628del (p.Glu209fs)

Gene: KLHL41 (kelch like family member 41; plus strand). Cytogenetic location: 2q31.1.
Variant type: Deletion.
Coding change: c.624_628del on transcript NM_006063.3 (MANE Select); coding-DNA positions 624 to 628, 5 bases deleted (GGAAA; older notation c.624_628delGGAAA).
Protein change: p.Glu209fs; shifts the reading frame from glutamic acid 209.
Molecular consequence: frameshift variant.
Genome position (GRCh38, 1-based): chr2:169,510,402-169,510,406, GGAAA deleted; deleting any 5 consecutive bases within chr2:169,510,400-169,510,406 gives the same sequence; the c. name uses the placement nearest the transcript's 3' end. VCF-style (leftmost placement, unchanged base first): chr2-169510399-CAAGGA-C. GRCh37 (hg19) VCF-style: chr2-170366909-CAAGGA-C.
Other names: short protein forms E209fs.
Identifiers: ClinVar variation 3724021 (VCV003724021.2).
Genomic context (GRCh38, chr2:169,510,399, plus strand): 5'-CCTAAATGTAGAAAAAGAAGAAGCAGTATTTGAGGCAGTGATGAAATGGGTGCGAACAGA[CAAGGA>C]AAACAGGGTTAAAAACCTTAGTGAAGTGTTTGATTGTATCCGTTTTCGCCTTATGACAGA-3'

ClinVar aggregate classification (germline): Pathogenic (1 of 4 stars; one submission).

Conditions:
Nemaline myopathy 9 (NEM9). Identifiers: MedGen C3810384, MONDO:0014326, OMIM 615731.

Submission:

Labcorp Genetics (formerly Invitae), Labcorp
Classification: Pathogenic for Nemaline myopathy 9. Last evaluated: 2024-10-29. Review status: criteria provided, single submitter. Criteria: Invitae Variant Classification Sherloc (09022015). Collection method: clinical testing. Allele origin: germline.
Comment: This sequence change creates a premature translational stop signal (p.Glu209Glnfs*3) in the KLHL41 gene. It is expected to result in an absent or disrupted protein product. Loss-of-function variants in KLHL41 are known to be pathogenic (PMID: 24268659). This variant is not present in population databases (gnomAD no frequency). This variant has not been reported in the literature in individuals affected with KLHL41-related conditions. For these reasons, this variant has been classified as Pathogenic.

Literature cited by the submitters: PubMed 24268659.